The following is an entry in ClinVar:

ClinVar aggregate classification (germline): Uncertain significance (1 of 4 stars; one submission).

Conditions:
Familial hypercholesterolemia. Also called: Familial hypercholesterolaemia. Identifiers: MedGen C0020445, MONDO:0005439.

gnomAD v4.1: 4 of 1,614,142 alleles (0.00025%); highest among the groups gnomAD compares: Non-Finnish European, 0.00034%; no homozygotes.

Submission:

Color Diagnostics, LLC DBA Color Health
Classification: Uncertain significance for Familial hypercholesterolemia. Last evaluated: 2025-06-17. Review status: criteria provided, single submitter. Criteria: ACMG Guidelines, 2015. Collection method: clinical testing. Allele origin: germline.
Comment: This missense variant replaces aspartic acid with histidine at codon 651 of the PCSK9 protein. Computational prediction suggests that this variant may not impact protein structure and function. To our knowledge, functional studies have not been reported for this variant. This variant has not been reported in individuals affected with PCSK9-related disorders in the literature. This variant has not been identified in the general population by the Genome Aggregation Database (gnomAD). The available evidence is insufficient to determine the role of this variant in disease conclusively. Therefore, this variant is classified as a Variant of Uncertain Significance.

NM_174936.4(PCSK9):c.1951G>C (p.Asp651His)

Gene: PCSK9 (proprotein convertase subtilisin/kexin type 9; plus strand). Cytogenetic location: 1p32.3.
Variant type: single nucleotide variant.
Coding change: c.1951G>C on transcript NM_174936.4 (MANE Select); coding-DNA position 1951, G replaced by C.
Protein change: p.Asp651His; replaces aspartic acid 651 with histidine.
Molecular consequence: missense variant. On other transcripts: non-coding transcript variant (8).
Genome position (GRCh38, 1-based): chr1:55,063,456, G>C. VCF-style: chr1-55063456-G-C. GRCh37 (hg19) VCF-style: chr1-55529129-G-C.
Other names: c.2074G>C, p.Asp692His (NM_001407240.1); c.1993G>C, p.Asp665His (NM_001407241.1); c.1954G>C, p.Asp652His (NM_001407242.1); c.1894G>C, p.Asp632His (NM_001407243.1); c.1777G>C, p.Asp593His (NM_001407244.1); c.1759G>C, p.Asp587His (NM_001407245.1); c.1576G>C, p.Asp526His (NM_001407246.1); c.1450G>C, p.Asp484His (NM_001407247.1); short protein forms D484H, D526H, D587H, D593H, D632H, D651H, D652H, D665H.
Identifiers: ClinVar variation 4757227 (VCV004757227.1).
Genomic context (GRCh38, chr1:55,063,456, plus strand): 5'-ACCCTGACTGGCTGCAGTGCCCTCCCTGGGACCTCCCACGTCCTGGGGGCCTACGCCGTA[G>C]ACAACACGTGTGTAGTCAGGAGCCGGGACGTCAGCACTACAGGCAGCACCAGCGAAGGGG-3'
Protein context (NP_777596.2, residues 641-661): TSHVLGAYAV[Asp651His]NTCVVRSRDV